The following is an entry in ClinVar:

ClinVar aggregate classification (germline): Uncertain significance (1 of 4 stars; one submission).

gnomAD v4.1: 1 of 1,210,576 alleles (0.000083%); highest among the groups gnomAD compares: Non-Finnish European, 0.00011%; no homozygotes.

Submission:

GeneDx
Classification: Uncertain significance. Last evaluated: 2026-02-24. Review status: criteria provided, single submitter. Criteria: GeneDx Variant Classification Process June 2021. Collection method: clinical testing. Allele origin: germline.
Comment: Not observed at significant frequency in large population cohorts (gnomAD); In silico analysis suggests that this missense variant does not alter protein structure/function; Has not been previously published as pathogenic or benign to our knowledge

NM_031407.7(HUWE1):c.8109G>C (p.Lys2703Asn)

Gene: HUWE1 (HECT, UBA and WWE domain containing E3 ubiquitin protein ligase 1; minus strand). Cytogenetic location: Xp11.22.
Variant type: single nucleotide variant.
Coding change: c.8109G>C on transcript NM_031407.7 (MANE Select); coding-DNA position 8109, G replaced by C.
Protein change: p.Lys2703Asn; replaces lysine 2703 with asparagine.
Molecular consequence: missense variant.
Genome position (GRCh38, 1-based): chrX:53,558,706, C>G on the plus strand (G>C on the coding strand, the complement: HUWE1 is on the minus strand). VCF-style: chrX-53558706-C-G. GRCh37 (hg19) VCF-style: chrX-53585667-C-G.
Other names: c.8106G>C, p.Lys2702Asn (NM_001441048.1, NM_001441051.1, NM_001441053.1 and 2 more transcripts); c.8109G>C, p.Lys2703Asn (NM_001441049.1, NM_001441054.1, NM_001441057.1); c.8130G>C, p.Lys2710Asn (NM_001441050.1, NM_001441055.1); c.7707G>C, p.Lys2569Asn (NM_001441052.1); short protein forms K2569N, K2702N, K2703N, K2710N.
Identifiers: ClinVar variation 4975043 (VCV004975043.1).